The following is an entry in ClinVar:

ClinVar aggregate classification (germline): Benign. Review status: criteria provided, multiple submitters, no conflicts (2 of 4 stars). 3 submissions from 3 submitters: Benign (2). 1 of the submissions does not count toward it. Last evaluated 2026-02-01.

Conditions:
OPLAH-related disorder. Also called: OPLAH-related condition.
5-Oxoprolinase deficiency (OPLAHD). Also called: 5-OXOPROLINURIA DUE TO 5-OXOPROLINASE DEFICIENCY. Identifiers: Orphanet 33572, MedGen C0268525, MONDO:0009825, OMIM 260005, HP:0040142.

Allele frequency attached by ClinVar (database versions not stated): gnomAD exomes 0.08593; 1000 Genomes Project 30x 0.14772; 1000 Genomes Project 0.14117; ExAC 0.09054; gnomAD 0.15169 and 0.15837; TOPMed 0.16046; ESP Exome Variant Server 0.15738.
gnomAD v4.1: 143,845 of 1,612,122 alleles (8.9%); highest among the groups gnomAD compares: African/African-American, 35%; 9,617 homozygotes.

Submissions (3):

Labcorp Genetics (formerly Invitae), Labcorp
Classification: Benign for 5-Oxoprolinase deficiency. Last evaluated: 2026-02-01. Review status: criteria provided, single submitter. Criteria: Invitae Variant Classification Sherloc (09022015). Collection method: clinical testing. Allele origin: germline.

Breakthrough Genomics
Classification: Benign. Review status: criteria provided, single submitter. Criteria: ACMG Guidelines, 2015. Collection method: not provided. Allele origin: germline. Inheritance: Autosomal recessive inheritance. Affected: yes.

PreventionGenetics, part of Exact Sciences
Classification: Benign for OPLAH-related condition. Last evaluated: 2019-11-14. Review status: no assertion criteria provided. Collection method: clinical testing. Allele origin: germline. Not counted in ClinVar's aggregate classification.
Comment: This variant is classified as benign based on ACMG/AMP sequence variant interpretation guidelines (Richards et al. 2015 PMID: 25741868, with internal and published modifications).

NM_017570.5(OPLAH):c.1836T>C (p.Phe612=)

Gene: OPLAH (5-oxoprolinase, ATP-hydrolysing; minus strand). Cytogenetic location: 8q24.3.
Variant type: single nucleotide variant.
Coding change: c.1836T>C on transcript NM_017570.5 (MANE Select); coding-DNA position 1836, T replaced by C.
Protein change: p.Phe612=; no amino-acid change (phenylalanine 612 retained).
Molecular consequence: synonymous variant.
Genome position (GRCh38, 1-based): chr8:144,056,626, A>G on the plus strand (T>C on the coding strand, the complement: OPLAH is on the minus strand). VCF-style: chr8-144056626-A-G. GRCh37 (hg19) VCF-style: chr8-145111529-A-G.
Other names: c.1836T>C (NM_017570.4).
Identifiers: ClinVar variation 1165138 (VCV001165138.10), dbSNP rs11993554, ClinGen allele CA4931715.
Genomic context (GRCh38, chr8:144,056,626, plus strand): 5'-GGCCAGACAGGAGGGCCCCTTGCCAGGGATCCGGAGTCAGGAAGCCACGTACCGCTCCAC[A>G]AAGGCTGCCCCGAAGTCCCCCGCACGGGGCGAGCGGGCTGTGGCTGGGTGCTGGTGGGCA-3'
Protein context (NP_060040.1, residues 602-622): SPRAGDFGAA[Phe612=]VERYMREFGF